The following is an entry in ClinVar:

NM_001281775.3(ZMYND8):c.2527del (p.Ser843fs)

Gene: ZMYND8 (zinc finger MYND-type containing 8; minus strand). Cytogenetic location: 20q13.12.
Variant type: Deletion.
Coding change: c.2527del on transcript NM_001281775.3 (MANE Select); coding-DNA position 2527, one base deleted (A; older notation c.2527delA).
Protein change: p.Ser843fs; shifts the reading frame from serine 843.
Molecular consequence: frameshift variant. On other transcripts: intron variant (2).
Genome position (GRCh38, 1-based): chr20:47,238,896, T deleted on the plus strand (A on the coding strand, the reverse complement: ZMYND8 is on the minus strand); the first of 2 consecutive T bases (chr20:47,238,896-47,238,897); deleting either gives the same sequence. VCF-style (leftmost placement, unchanged base first): chr20-47238895-CT-C. GRCh37 (hg19) VCF-style: chr20-45867639-CT-C.
Other names: c.2452del, p.Ser818fs (NM_001281778.3); c.1723del, p.Thr575fs (NM_001281779.3, NM_001281780.3); c.2311del, p.Thr771fs (NM_001281781.3); c.2452del, p.Thr818fs (NM_001281782.3, NM_183048.4, NM_001281777.3); c.2527del, p.Ser843fs (NM_001281783.3); c.2311del, p.Ser771fs (NM_001281784.3); c.2548del, p.Ser850fs (NM_001363714.1); c.2467del, p.Ser823fs (NM_001363741.2, NM_001281772.3, NM_001281773.3); and 4 more; short protein forms S771fs, S818fs, S823fs, S843fs, S850fs, T575fs, T771fs, T818fs.
Identifiers: ClinVar variation 4531755 (VCV004531755.1).
Genomic context (GRCh38, chr20:47,238,895, plus strand): 5'-TGCTGCTGCTGACGCTGCATCTTCTGCATGTGCCACTTTTGGGAGGACGTTTGAAACTTA[CT>C]TGATGAGTTCCACACGACCCGCTGCACGGCCGGGGCAGTCTCCTTCGGTAAAAGCGGCCT-3'

ClinVar aggregate classification (germline): Uncertain significance (1 of 4 stars; one submission).

Conditions:
Neurodevelopmental disorder. Identifiers: MedGen C1535926, MeSH D065886, MONDO:0700092.

Submission:

Victorian Clinical Genetics Services, Murdoch Childrens Research Institute
Classification: Uncertain significance for Neurodevelopmental disorder. Last evaluated: 2025-02-13. Review status: criteria provided, single submitter. Criteria: ACMG Guidelines, 2015. Collection method: clinical testing. Allele origin: germline. Affected: yes.
Comment: This variant is classified as VUS-3A. Evidence in support of pathogenic classification: Variant is predicted to cause nonsense-mediated decay (NMD) and loss of protein (premature termination codon is located at least 54 nucleotides upstream of the final exon-exon junction); Variant is absent from gnomAD (v2, v3 and v4). Additional information: This variant is non-coding in an alternative transcript. This variant is coding in the MANE select transcript (NM_001281775.3); however, is non-coding in two other transcripts. The MANE select transcript has low expression of this exon, and there are no reports of pathogenic variants within this exon (GTEx, ClinVar). Therefore the importance of this exon is unclear; This variant is heterozygous; This gene is associated with autosomal dominant disease; Alternative NMD-predicted change(s) are present in gnomAD (Highest alelle count: v4: 5 heterozygote(s), 0 homozygote(s)); This variant has no previous evidence of pathogenicity; No published segregation evidence has been identified for this variant; No published functional evidence has been identified for this variant; Other NMD-predicted variant(s) comparable to the one identified in this case have conflicting previous evidence for pathogenicity. NMD-predicted variants have conflicting VUS and pathogenic classifications by clinical laboratories (ClinVar), and have been reported in individuals with varying phenotype severity in the literature (LOVD, PMIDs: 35916866, 31981491, 23647072, 32530565); Loss of function is a likely mechanism of disease in this gene and is associated with neurodevelopmental disorder (MONDO:0700092), ZMYND8-related (PMID: 35916866). However, dominant negative has not been excluded as a mehcanism.

Literature cited by the submitters: PubMed 32530565; PubMed 31981491; PubMed 35916866; PubMed 23647072.